The following is an entry in ClinVar:

ClinVar aggregate classification (germline): Uncertain significance. Review status: criteria provided, multiple submitters, no conflicts (2 of 4 stars). 2 submissions from 2 submitters: Uncertain significance (2). Last evaluated 2023-06-06.

Conditions:
Inborn genetic diseases. Identifiers: MedGen C0950123, MeSH D030342.

Allele frequency attached by ClinVar (database versions not stated): gnomAD exomes below 0.00001; TOPMed 0.00001.
gnomAD v4.1: 7 of 1,614,212 alleles (0.00043%); highest among the groups gnomAD compares: Middle Eastern, 0.016%; no homozygotes.

Submissions (2):

Ambry Genetics
Classification: Uncertain significance for Inborn genetic diseases. Last evaluated: 2023-06-06. Review status: criteria provided, single submitter. Criteria: Ambry Variant Classification Scheme 2023. Collection method: clinical testing. Allele origin: germline.

Labcorp Genetics (formerly Invitae), Labcorp
Classification: Uncertain significance. Last evaluated: 2022-01-11. Review status: criteria provided, single submitter. Criteria: Invitae Variant Classification Sherloc (09022015). Collection method: clinical testing. Allele origin: germline.
Comment: Advanced modeling of protein sequence and biophysical properties (such as structural, functional, and spatial information, amino acid conservation, physicochemical variation, residue mobility, and thermodynamic stability) performed at Invitae indicates that this missense variant is not expected to disrupt SPTBN2 protein function. This variant has not been reported in the literature in individuals affected with SPTBN2-related conditions. This variant is present in population databases (no rsID available, gnomAD 0.003%). In summary, the available evidence is currently insufficient to determine the role of this variant in disease. Therefore, it has been classified as a Variant of Uncertain Significance. This sequence change replaces glutamine, which is neutral and polar, with arginine, which is basic and polar, at codon 1285 of the SPTBN2 protein (p.Gln1285Arg).

NM_006946.4(SPTBN2):c.3854A>G (p.Gln1285Arg)

Gene: SPTBN2 (spectrin beta, non-erythrocytic 2; minus strand). Cytogenetic location: 11q13.2.
Variant type: single nucleotide variant.
Coding change: c.3854A>G on transcript NM_006946.4 (MANE Select); coding-DNA position 3854, A replaced by G.
Protein change: p.Gln1285Arg; replaces glutamine 1285 with arginine.
Molecular consequence: missense variant.
Genome position (GRCh38, 1-based): chr11:66,699,005, T>C on the plus strand (A>G on the coding strand, the complement: SPTBN2 is on the minus strand). VCF-style: chr11-66699005-T-C. GRCh37 (hg19) VCF-style: chr11-66466476-T-C.
Other names: c.3854A>G (NM_006946.2); c.3875A>G, p.Gln1292Arg (NM_001411025.1); short protein forms Q1285R, Q1292R.
Identifiers: ClinVar variation 1930947 (VCV001930947.7), dbSNP rs1303831105, ClinGen allele CA381471612.